The following is an entry in ClinVar:

ClinVar aggregate classification (germline): Uncertain significance (1 of 4 stars; one submission).

Submission:

GeneDx
Classification: Uncertain significance. Last evaluated: 2022-05-04. Review status: criteria provided, single submitter. Criteria: GeneDx Variant Classification Process June 2021. Collection method: clinical testing. Allele origin: germline. Affected: yes.
Comment: Not observed at significant frequency in large population cohorts (gnomAD); In silico analysis supports that this missense variant does not alter protein structure/function; Has not been previously published as pathogenic or benign to our knowledge

NM_016628.5(WAC):c.1448C>G (p.Pro483Arg)

Gene: WAC (WW domain containing adaptor with coiled-coil; plus strand). Cytogenetic location: 10p12.1.
Variant type: single nucleotide variant.
Coding change: c.1448C>G on transcript NM_016628.5 (MANE Select); coding-DNA position 1448, C replaced by G.
Protein change: p.Pro483Arg; replaces proline 483 with arginine.
Molecular consequence: missense variant.
Genome position (GRCh38, 1-based): chr10:28,614,577, C>G. VCF-style: chr10-28614577-C-G. GRCh37 (hg19) VCF-style: chr10-28903506-C-G.
Other names: c.1313C>G, p.Pro438Arg (NM_100264.3); c.1139C>G, p.Pro380Arg (NM_100486.4); short protein forms P380R, P438R, P483R.
Identifiers: ClinVar variation 1723050 (VCV001723050.2), dbSNP rs147282072, ClinGen allele CA376404497.